The following is an entry in ClinVar:

ClinVar aggregate classification (germline): Uncertain significance. Review status: criteria provided, multiple submitters, no conflicts (2 of 4 stars). 2 submissions from 2 submitters: Uncertain significance (2). Last evaluated 2025-12-31.

Submissions (2):

Labcorp Genetics (formerly Invitae), Labcorp
Classification: Uncertain significance. Last evaluated: 2025-12-31. Review status: criteria provided, single submitter. Criteria: Invitae Variant Classification Sherloc (09022015). Collection method: clinical testing. Allele origin: germline.
Comment: This sequence change replaces glutamic acid, which is acidic and polar, with glycine, which is neutral and non-polar, at codon 953 of the COL11A2 protein (p.Glu953Gly). This variant is not present in population databases (gnomAD no frequency). This variant has not been reported in the literature in individuals affected with COL11A2-related conditions. ClinVar contains an entry for this variant (Variation ID: 3374845). Invitae Evidence Modeling of protein sequence and biophysical properties (such as structural, functional, and spatial information, amino acid conservation, physicochemical variation, residue mobility, and thermodynamic stability) indicates that this missense variant is not expected to disrupt COL11A2 protein function with a negative predictive value of 95%. In summary, the available evidence is currently insufficient to determine the role of this variant in disease. Therefore, it has been classified as a Variant of Uncertain Significance.

Women's Health and Genetics/Laboratory Corporation of America, LabCorp
Classification: Uncertain significance. Last evaluated: 2024-09-12. Review status: criteria provided, single submitter. Criteria: LabCorp Variant Classification Summary - May 2015. Collection method: clinical testing. Allele origin: germline.
Comment: Variant summary: COL11A2 c.2858A>G (p.Glu953Gly) results in a non-conservative amino acid change in the encoded protein sequence. Four of five in-silico tools predict a damaging effect of the variant on protein function. The frequency data for this variant in gnomAD is considered unreliable, as metrics indicate poor data quality at this position. To our knowledge, no occurrence of c.2858A>G in individuals affected with COL11A2-Related Disorders and no experimental evidence demonstrating its impact on protein function have been reported. No submitters have cited clinical-significance assessments for this variant to ClinVar. Based on the evidence outlined above, the variant was classified as uncertain significance.

NM_080680.3(COL11A2):c.2858A>G (p.Glu953Gly)

Gene: COL11A2 (collagen type XI alpha 2 chain; minus strand). Cytogenetic location: 6p21.32.
Variant type: single nucleotide variant.
Coding change: c.2858A>G on transcript NM_080680.3 (MANE Select); coding-DNA position 2858, A replaced by G.
Protein change: p.Glu953Gly; replaces glutamic acid 953 with glycine.
Molecular consequence: missense variant.
Genome position (GRCh38, 1-based): chr6:33,172,570, T>C on the plus strand (A>G on the coding strand, the complement: COL11A2 is on the minus strand). VCF-style: chr6-33172570-T-C. GRCh37 (hg19) VCF-style: chr6-33140347-T-C.
Other names: c.2678A>G, p.Glu893Gly (NM_001424108.1); c.2012A>G, p.Glu671Gly (NM_001424109.1); c.1832A>G, p.Glu611Gly (NM_001424110.1, NM_001424111.1); c.812A>G, p.Glu271Gly (NM_001424112.1); c.2537A>G, p.Glu846Gly (NM_080679.3); c.2600A>G, p.Glu867Gly (NM_080681.3); short protein forms E271G, E611G, E671G, E846G, E867G, E893G, E953G.
Identifiers: ClinVar variation 3374845 (VCV003374845.2).